The following is an entry in ClinVar:

NM_001283009.2(RTEL1):c.380G>A (p.Arg127Gln)

Genes: RTEL1 (regulator of telomere elongation helicase 1; plus strand), RTEL1-TNFRSF6B (RTEL1-TNFRSF6B readthrough (NMD candidate); plus strand). Cytogenetic location: 20q13.33.
Variant type: single nucleotide variant.
Coding change: c.380G>A on transcript NM_001283009.2 (MANE Select); coding-DNA position 380, G replaced by A.
Protein change: p.Arg127Gln; replaces arginine 127 with glutamine.
Molecular consequence: missense variant. On other transcripts: non-coding transcript variant (1), 5 prime UTR variant (1).
Genome position (GRCh38, 1-based): chr20:63,661,928, G>A. VCF-style: chr20-63661928-G-A. GRCh37 (hg19) VCF-style: chr20-62293281-G-A.
Other names: c.-290G>A (NM_001283010.1); c.380G>A, p.Arg127Gln (NM_016434.4, NM_032957.5); short protein forms R127Q.
Identifiers: ClinVar variation 1028486 (VCV001028486.9), dbSNP rs769163032, ClinGen allele CA9964190.
Genomic context (GRCh38, chr20:63,661,928, plus strand): 5'-CAAAGATTATTTACGCCTCCAGGACCCACTCGCAACTCACACAGGTCATCAACGAGCTTC[G>A]GAACACCTCCTACCGGTGGGTCAGACGAGTTTACACCTGTCTCGGGGTCCTCAAGAGAAC-3'
Protein context (NP_001269938.1, residues 117-137): SQLTQVINEL[Arg127Gln]NTSYRPKVCV

ClinVar aggregate classification (germline): Uncertain significance. Review status: criteria provided, multiple submitters, no conflicts (2 of 4 stars). 4 submissions from 4 submitters: Uncertain significance (4). Last evaluated 2025-12-22.

Conditions:
Dyskeratosis congenita, autosomal recessive 5 (DKCB5). Identifiers: MedGen C3554656, MONDO:0014076, OMIM 615190.
Pulmonary fibrosis and/or bone marrow failure, Telomere-related, 3. Also called: PULMONARY FIBROSIS AND/OR BONE MARROW FAILURE SYNDROME, TELOMERE-RELATED, 3. Identifiers: Orphanet 2032, MedGen C4225346, MONDO:0014613, OMIM 616373.
Inborn genetic diseases. Identifiers: MedGen C0950123, MeSH D030342.

Allele frequency attached by ClinVar (database versions not stated): TOPMed 0.00001; gnomAD 0.00003 and 0.00004; gnomAD exomes 0.00003 and 0.00004; ExAC 0.00006.
gnomAD v4.1: 49 of 1,613,722 alleles (0.003%); highest among the groups gnomAD compares: South Asian, 0.032%; no homozygotes.

Submissions (4):

Ambry Genetics
Classification: Uncertain significance for Inborn genetic diseases. Last evaluated: 2025-12-22. Review status: criteria provided, single submitter. Criteria: Ambry Variant Classification Scheme 2023. Collection method: clinical testing. Allele origin: germline.

Labcorp Genetics (formerly Invitae), Labcorp
Classification: Uncertain significance for Dyskeratosis congenita, autosomal recessive 5; Pulmonary fibrosis and/or bone marrow failure, Telomere-related, 3. Last evaluated: 2024-10-24. Review status: criteria provided, single submitter. Criteria: Invitae Variant Classification Sherloc (09022015). Collection method: clinical testing. Allele origin: germline.
Comment: This sequence change replaces arginine, which is basic and polar, with glutamine, which is neutral and polar, at codon 127 of the RTEL1 protein (p.Arg127Gln). This variant is present in population databases (rs769163032, gnomAD 0.02%). This variant has not been reported in the literature in individuals affected with RTEL1-related conditions. ClinVar contains an entry for this variant (Variation ID: 1028486). An algorithm developed to predict the effect of missense changes on protein structure and function (PolyPhen-2) suggests that this variant is likely to be disruptive. In summary, the available evidence is currently insufficient to determine the role of this variant in disease. Therefore, it has been classified as a Variant of Uncertain Significance.

Baylor Genetics
Classification: Uncertain significance for Dyskeratosis congenita, autosomal recessive 5. Last evaluated: 2020-01-15. Review status: criteria provided, single submitter. Criteria: ACMG Guidelines, 2015. Collection method: clinical testing. Allele origin: unknown. Affected: yes.
Comment: This variant was determined to be of uncertain significance according to ACMG Guidelines, 2015 [PMID:25741868].

Neuberg Centre For Genomic Medicine, NCGM
Classification: Uncertain significance for Dyskeratosis congenita, autosomal recessive 5. Review status: criteria provided, single submitter. Criteria: ACMG Guidelines, 2015. Collection method: clinical testing. Allele origin: germline. Affected: yes.
Comment: The missense variant p.R127Q in RTEL1 (NM_032957.5) has been submitted to ClinVar as Uncertain Significance. It has not been reported previously in affected individuals. The p.R127Q variant is observed in 7/30,614 (0.0229%) alleles from individuals of South Asian background in gnomAD Exomes and is novel (not in any individuals) in 1000 Genomes. The p.R127Q missense variant is predicted to be damaging by both SIFT and PolyPhen2. The arginine residue at codon 127 of RTEL1 is conserved in all mammalian species. The nucleotide c.380 in RTEL1 is predicted conserved by GERP++ and PhyloP across 100 vertebrates. For these reasons, this variant has been classified as Uncertain Significance.